The following is an entry in ClinVar:

NM_017617.5(NOTCH1):c.2072G>A (p.Gly691Asp)

Gene: NOTCH1 (notch receptor 1; minus strand). Cytogenetic location: 9q34.3.
Variant type: single nucleotide variant.
Coding change: c.2072G>A on transcript NM_017617.5 (MANE Select); coding-DNA position 2072, G replaced by A.
Protein change: p.Gly691Asp; replaces glycine 691 with aspartic acid.
Molecular consequence: missense variant.
Genome position (GRCh38, 1-based): chr9:136,514,645, C>T on the plus strand (G>A on the coding strand, the complement: NOTCH1 is on the minus strand). VCF-style: chr9-136514645-C-T. GRCh37 (hg19) VCF-style: chr9-139409097-C-T.
Other names: short protein forms G691D.
Identifiers: ClinVar variation 3370051 (VCV003370051.1).
Genomic context (GRCh38, chr9:136,514,645, plus strand): 5'-GGGTCGTGGTAGCCCTCGGGGCAGCGGCAGGTGAAGCCATTGATGCCGTCCTCGCAGGTG[C>T]CCCCGTTGTGGCAGGGGTTGCCCGCACACTCATCGATGTTGATGTTACACATGCTCCCTA-3'
Protein context (NP_060087.3, residues 681-701): ECAGNPCHNG[Gly691Asp]TCEDGINGFT

ClinVar aggregate classification (germline): Uncertain significance (1 of 4 stars; one submission).

gnomAD v4.1: 1 of 1,612,362 alleles (0.000062%); highest among the groups gnomAD compares: Non-Finnish European, 0.000085%; no homozygotes.

Submission:

GeneDx
Classification: Uncertain significance. Last evaluated: 2023-12-22. Review status: criteria provided, single submitter. Criteria: GeneDx Variant Classification Process June 2021. Collection method: clinical testing. Allele origin: germline. Affected: yes.
Comment: Not observed at significant frequency in large population cohorts (gnomAD); In silico analysis supports that this missense variant has a deleterious effect on protein structure/function; Identified in a patient with autism spectrum disorder who also harbored variants in other possible causative genes (PMID: 35982159); This variant is associated with the following publications: (PMID: 35982159, 35982160)